The following is an entry in ClinVar:

NM_003334.4(UBA1):c.3074G>A (p.Arg1025Gln)

Gene: UBA1 (ubiquitin like modifier activating enzyme 1; plus strand). Cytogenetic location: Xp11.3.
Variant type: single nucleotide variant.
Coding change: c.3074G>A on transcript NM_003334.4 (MANE Select); coding-DNA position 3074, G replaced by A.
Protein change: p.Arg1025Gln; replaces arginine 1025 with glutamine.
Molecular consequence: missense variant.
Genome position (GRCh38, 1-based): chrX:47,214,826, G>A. VCF-style: chrX-47214826-G-A. GRCh37 (hg19) VCF-style: chrX-47074225-G-A.
Other names: c.3074G>A, p.Arg1025Gln (NM_153280.3); short protein forms R1025Q.
Identifiers: ClinVar variation 2157112 (VCV002157112.4), dbSNP rs147211127, ClinGen allele CA10396267.

ClinVar aggregate classification (germline): Uncertain significance (1 of 4 stars; one submission).

Conditions:
Infantile-onset X-linked spinal muscular atrophy. Also called: AMC, DISTAL, X-LINKED; ARTHROGRYPOSIS, X-LINKED, TYPE I; SPINAL MUSCULAR ATROPHY, X-LINKED LETHAL INFANTILE; Spinal Muscular Atrophy, X-Linked Infantile; Spinal muscular atrophy, X-linked 2. Identifiers: Orphanet 1145, MedGen C1844934, MONDO:0010532, OMIM 301830.

Allele frequency attached by ClinVar (database versions not stated): gnomAD exomes below 0.00001; ExAC 0.00001; ESP Exome Variant Server 0.00009.
gnomAD v4.1: 3 of 1,211,721 alleles (0.00025%); highest among the groups gnomAD compares: South Asian, 0.0018%; no homozygotes.

Submission:

Labcorp Genetics (formerly Invitae), Labcorp
Classification: Uncertain significance for Infantile-onset X-linked spinal muscular atrophy. Last evaluated: 2022-01-06. Review status: criteria provided, single submitter. Criteria: Invitae Variant Classification Sherloc (09022015). Collection method: clinical testing. Allele origin: germline.
Comment: In summary, the available evidence is currently insufficient to determine the role of this variant in disease. Therefore, it has been classified as a Variant of Uncertain Significance. Algorithms developed to predict the effect of missense changes on protein structure and function (SIFT, PolyPhen-2, Align-GVGD) all suggest that this variant is likely to be tolerated. This variant has not been reported in the literature in individuals affected with UBA1-related conditions. This variant is present in population databases (rs147211127, gnomAD 0.01%), including at least one homozygous and/or hemizygous individual. This sequence change replaces arginine, which is basic and polar, with glutamine, which is neutral and polar, at codon 1025 of the UBA1 protein (p.Arg1025Gln).